The following is an entry in ClinVar:

NM_000318.3(PEX2):c.782A>G (p.His261Arg)

Gene: PEX2 (peroxisomal biogenesis factor 2; minus strand). Cytogenetic location: 8q21.13.
Variant type: single nucleotide variant.
Coding change: c.782A>G on transcript NM_000318.3 (MANE Select); coding-DNA position 782, A replaced by G.
Protein change: p.His261Arg; replaces histidine 261 with arginine.
Molecular consequence: missense variant.
Genome position (GRCh38, 1-based): chr8:76,983,397, T>C on the plus strand (A>G on the coding strand, the complement: PEX2 is on the minus strand). VCF-style: chr8-76983397-T-C. GRCh37 (hg19) VCF-style: chr8-77895633-T-C.
Other names: c.782A>G, p.His261Arg (NM_001079867.2, NM_001172086.2, NM_001172087.2); short protein forms H261R.
Identifiers: ClinVar variation 557949 (VCV000557949.13), dbSNP rs749956542, ClinGen allele CA4788654.
Genomic context (GRCh38, chr8:76,983,397, plus strand): 5'-GGACAAGTAAAGTACACGTCAAATAAGAAACTACTCTTAGCACAGAAATAACAGAAAATA[T>C]GCTCACATCCTATGGTGTGAGGCATGGTGGGCCACTCTCCACATAGAGCGCATTCTTTGC-3'
Protein context (NP_000309.2, residues 251-271): PTMPHTIGCE[His261Arg]IFCYFCAKSS

ClinVar aggregate classification (germline): Conflicting classifications of pathogenicity. Review status: criteria provided, conflicting classifications (1 of 4 stars). 8 submissions from 8 submitters: Pathogenic (1); Likely pathogenic (3); Uncertain significance (3). 1 of the submissions does not count toward it. Last evaluated 2025-12-16.

Conditions:
Peroxisome biogenesis disorder 5A (Zellweger) (PBD5A). Identifiers: Orphanet 912, MedGen C3553940, MONDO:0013932, OMIM 614866.
Peroxisome biogenesis disorder. Identifiers: Orphanet 79189, MedGen C1832200, MONDO:0019234. Disease mechanism: loss of function.
Peroxisome biogenesis disorder 5B (PBD5B). Identifiers: Orphanet 44, MedGen C3542026, MONDO:0013933, OMIM 614867.
Zellweger spectrum disorders (ZS). Also called: Zellweger Spectrum Disorder; Zellweger Spectrum; Zellweger syndrome; Zellweger Spectrum Disorder (ZSD). Identifiers: Orphanet 912, MedGen C0043459, MONDO:0019609.

Allele frequency attached by ClinVar (database versions not stated): gnomAD 0.00001; gnomAD exomes 0.00001 and 0.00002; ExAC 0.00002; TOPMed 0.00002.
gnomAD v4.1: 12 of 1,613,966 alleles (0.00074%); highest among the groups gnomAD compares: Admixed American, 0.0083%; no homozygotes.

Submissions (8):

Natera, Inc.
Classification: Likely pathogenic for Zellweger syndrome. Last evaluated: 2025-12-16. Review status: criteria provided, single submitter. Criteria: Natera Variant Classification Schema (03/2026). Collection method: clinical testing. Allele origin: germline.
Comment: The c.782A>G variant in PEX2 is a missense variant predicted to cause substitution of histidine to arginine at amino acid 261. This variant is rare in the general population with a frequency below the threshold expected for the associated phenotype(s). This variant has been observed in one or more individuals affected with the associated recessive disease, as either homozygous or compound heterozygous with a second variant (PMID: 35012964, 38360210). This variant has been identified in one or more affected individual with a phenotype highly consistent with the associated gene (PMID: 35012964). Computational prediction algorithms indicate this variant is likely to affect gene or protein function. Given the available evidence, this variant is classified as Likely Pathogenic.

Myriad Genetics, Inc.
Classification: Uncertain significance for Peroxisome biogenesis disorder. Last evaluated: 2025-10-15. Review status: criteria provided, single submitter. Criteria: Myriad Autosomal Dominant, Autosomal Recessive and X-Linked Classification Criteria (2023). Collection method: clinical testing. Allele origin: unknown.
Comment: NM_000318.2(PEX2):c.782A>G(H261R) is a missense variant classified as a variant of uncertain significance in the context of peroxisome biogenesis disorder type 5. H261R has been observed in cases with relevant disease (PMID: 35012964, 38360210, 21031596). Relevant functional assessments of this variant are not available in the literature. H261R has been observed in referenced population frequency databases. In summary, there is insufficient evidence to classify NM_000318.2(PEX2):c.782A>G(H261R) as pathogenic or benign. Please note: this variant was assessed in the context of healthy population screening.

Women's Health and Genetics/Laboratory Corporation of America, LabCorp
Classification: Likely pathogenic for Peroxisome biogenesis disorder. Last evaluated: 2025-06-09. Review status: criteria provided, single submitter. Criteria: LabCorp Variant Classification Summary - May 2015. Collection method: clinical testing. Allele origin: germline.
Comment: Variant summary: PEX2 c.782A>G (p.His261Arg) results in a non-conservative amino acid change located in the Zinc finger, RING-type domain (IPR001841) of the encoded protein sequence. Algorithms developed to predict the effect of missense changes on protein structure and function all suggest that this variant is likely to be disruptive. The variant allele was found at a frequency of 2e-05 in 251300 control chromosomes. c.782A>G has been observed in the homozygous state individual affected with Zellweger Syndrome (Ebberink_2010, Shuter_2022, Internal Data). These data indicate that the variant is likely to be associated with disease. To our knowledge, no experimental evidence demonstrating an impact on protein function has been reported. The following publications have been ascertained in the context of this evaluation (PMID: 21031596, 35012964). ClinVar contains an entry for this variant (Variation ID: 557949). Based on the evidence outlined above, the variant was classified as likely pathogenic.

Labcorp Genetics (formerly Invitae), Labcorp
Classification: Likely pathogenic for Peroxisome biogenesis disorder 5A (Zellweger). Last evaluated: 2025-03-27. Review status: criteria provided, single submitter. Criteria: Invitae Variant Classification Sherloc (09022015). Collection method: clinical testing. Allele origin: germline.
Comment: This sequence change replaces histidine, which is basic and polar, with arginine, which is basic and polar, at codon 261 of the PEX2 protein (p.His261Arg). This variant is present in population databases (rs749956542, gnomAD 0.01%). This missense change has been observed in individual(s) with clinical features of Zellweger syndrome spectrum (PMID: 21031596, 35012964). ClinVar contains an entry for this variant (Variation ID: 557949). Invitae Evidence Modeling of protein sequence and biophysical properties (such as structural, functional, and spatial information, amino acid conservation, physicochemical variation, residue mobility, and thermodynamic stability) indicates that this missense variant is expected to disrupt PEX2 protein function with a positive predictive value of 80%. In summary, the currently available evidence indicates that the variant is pathogenic, but additional data are needed to prove that conclusively. Therefore, this variant has been classified as Likely Pathogenic.

Center for Personalized Medicine, Children's Hospital Los Angeles
Classification: Pathogenic. Last evaluated: 2022-12-21. Review status: criteria provided, single submitter. Criteria: ACMG Guidelines, 2015. Collection method: clinical testing. Allele origin: biparental. Affected: yes.

Fulgent Genetics
Classification: Uncertain significance for Peroxisome biogenesis disorder 5A (Zellweger); Peroxisome biogenesis disorder 5B. Last evaluated: 2021-09-12. Review status: criteria provided, single submitter. Criteria: ACMG Guidelines, 2015. Collection method: clinical testing. Allele origin: unknown.

Blueprint Genetics
Classification: Uncertain significance. Last evaluated: 2020-10-15. Review status: criteria provided, single submitter. Criteria: ACMG Guidelines, 2015. Collection method: clinical testing. Allele origin: germline.

Counsyl
Classification: Uncertain significance for Peroxisome biogenesis disorder 5A (Zellweger); Peroxisome biogenesis disorder 5B. Last evaluated: 2018-04-18. Review status: no assertion criteria provided. Collection method: clinical testing. Allele origin: unknown. Not counted in ClinVar's aggregate classification.

Literature cited by the submitters: PubMed 35012964 (cited by 4 submitters); PubMed 38360210 (cited by Natera, Inc. and Myriad Genetics, Inc.); PubMed 21031596 (cited by 4 submitters).